The following is an entry in ClinVar:

ClinVar aggregate classification (germline): Likely benign. Review status: criteria provided, multiple submitters, no conflicts (2 of 4 stars). 3 submissions from 3 submitters: Likely benign (3). Last evaluated 2025-06-19.

Conditions:
TTC8-related disorder. Also called: TTC8-related condition.
Bardet-Biedl syndrome (BBS). Identifiers: Orphanet 110, MedGen C0752166, MONDO:0015229.

gnomAD v4.1: 2 of 1,612,610 alleles (0.00012%); highest among the groups gnomAD compares: African/African-American, 0.0027%; no homozygotes.

Submissions (3):

PreventionGenetics, part of Exact Sciences
Classification: Likely benign for TTC8-related condition. Last evaluated: 2025-06-19. Review status: criteria provided, single submitter. Criteria: ACMG Guidelines, 2015. Collection method: clinical testing. Allele origin: germline.
Comment: This variant is classified as likely benign based on ACMG/AMP sequence variant interpretation guidelines (Richards et al. 2015 PMID: 25741868, with internal and published modifications).

Labcorp Genetics (formerly Invitae), Labcorp
Classification: Likely benign for Bardet-Biedl syndrome. Last evaluated: 2024-09-16. Review status: criteria provided, single submitter. Criteria: Invitae Variant Classification Sherloc (09022015). Collection method: clinical testing. Allele origin: germline.

Blueprint Genetics
Classification: Likely benign. Last evaluated: 2024-07-24. Review status: criteria provided, single submitter. Criteria: ACMG Guidelines, 2015. Collection method: clinical testing. Allele origin: germline.

NM_144596.4(TTC8):c.571T>C (p.Leu191=)

Gene: TTC8 (tetratricopeptide repeat domain 8; plus strand). Cytogenetic location: 14q31.3.
Variant type: single nucleotide variant.
Coding change: c.571T>C on transcript NM_144596.4 (MANE Select); coding-DNA position 571, T replaced by C.
Protein change: p.Leu191=; no amino-acid change (leucine 191 retained).
Molecular consequence: synonymous variant. On other transcripts: 5 prime UTR variant (1), non-coding transcript variant (1), intron variant (3).
Genome position (GRCh38, 1-based): chr14:88,841,506, T>C. VCF-style: chr14-88841506-T-C. GRCh37 (hg19) VCF-style: chr14-89307850-T-C.
Other names: c.541T>C, p.Leu181= (NM_001288781.1, NM_001366535.2, NM_198309.3); c.-22T>C (NM_001288782.1); c.-199+310T>C (NM_001288783.1); c.459+310T>C (NM_198310.3, NM_001366536.2); c.571T>C (NM_144596.3).
Identifiers: ClinVar variation 3625970 (VCV003625970.4).
Genomic context (GRCh38, chr14:88,841,506, plus strand): 5'-GATGGACCATTTATAAATTTATCTAGGCTGAATTTAACAAAGTATTCCCAGAAACCTAAG[T>C]TGGCAAAGGTATGTACTTAAAATGATTTTGAGTTATGAAGTAATATTACACGTATGATGA-3'
Protein context (NP_653197.2, residues 181-201): NLTKYSQKPK[Leu191=]AKALFEYIFH